The following continues an entry in ClinVar:

NM_024301.5(FKRP):c.826C>A (p.Leu276Ile)

Gene: FKRP. ClinVar aggregate classification (germline): Pathogenic/Likely pathogenic. Pathogenic (52); Likely pathogenic (5).

Submissions 63 to 64 of 64:

Institute of Human Genetics, University of Wuerzburg
Classification: Pathogenic for Limb-girdle muscular dystrophy. Review status: no assertion criteria provided. Collection method: clinical testing. Allele origin: unknown. Affected: yes. Observed: 1 variant allele. Not counted in ClinVar's aggregate classification.

Laboratory of Diagnostic Genome Analysis, Leiden University Medical Center (LUMC)
Classification: Pathogenic. Review status: no assertion criteria provided. Collection method: clinical testing. Allele origin: germline. Affected: yes. Study: VKGL Data-share Consensus. Not counted in ClinVar's aggregate classification.

Literature cited by the submitters: PubMed 26574668 (cited by 8 submitters); PubMed 14647208 (cited by 3 submitters); PubMed 16786213 (cited by Labcorp Genetics (formerly Invitae), Labcorp and Athena Diagnostics); PubMed 18060779 (cited by 3 submitters); PubMed 18639457 (cited by 5 submitters); PubMed 21220724 (cited by Labcorp Genetics (formerly Invitae), Labcorp); PubMed 23576288 (cited by 4 submitters); PubMed 11741828 (cited by 17 submitters); PubMed 15580560 (cited by 15 submitters); PubMed 23591631 (cited by 10 submitters); PubMed 32342672 (cited by Dasa and Clinical Genomics Laboratory, Stanford Medicine); PubMed 25560911 (cited by 6 submitters); PubMed 15060126 (cited by 5 submitters); PubMed 19900540 (cited by 7 submitters); PubMed 16634037 (cited by 4 submitters); PubMed 16344347 (cited by Ambry Genetics and AiLife Diagnostics); PubMed 25048216 (cited by 4 submitters); PubMed 28479227 (cited by Ambry Genetics and AiLife Diagnostics); PubMed 15886712 (cited by Variantyx, Inc. and OMIM); PubMed 35557983 (cited by Variantyx, Inc.); PubMed 34653404 (cited by Variantyx, Inc. and Women's Health and Genetics/Laboratory Corporation of America, LabCorp); PubMed 15574464 (cited by 5 submitters); PubMed 17554798 (cited by 3 submitters); PubMed 18593008 (cited by 3 submitters); PubMed 19820980 (cited by 3 submitters); PubMed 31041397 (cited by Athena Diagnostics); PubMed 37273706 (cited by Athena Diagnostics); PubMed 38127101 (cited by Athena Diagnostics); PubMed 35239206 (cited by Athena Diagnostics); PubMed 14742276 (cited by Athena Diagnostics); PubMed 22264518 (cited by 3 submitters); PubMed 24447024 (cited by 4 submitters); PubMed 30919934 (cited by 3 submitters); PubMed 15883334 (cited by Athena Diagnostics and AiLife Diagnostics); PubMed 20961759 (cited by Athena Diagnostics and Victorian Clinical Genetics Services, Murdoch Childrens Research Institute); PubMed 32914449 (cited by Victorian Clinical Genetics Services, Murdoch Childrens Research Institute and Clinical Genomics Laboratory, Stanford Medicine); PubMed 21228398 (cited by Laboratory for Molecular Medicine, Mass General Brigham Personalized Medicine and AiLife Diagnostics); PubMed 26833294 (cited by 3 submitters); PubMed 12666124 (cited by 3 submitters); PubMed 26363967 (cited by Laboratory for Molecular Medicine, Mass General Brigham Personalized Medicine and AiLife Diagnostics); PubMed 15833432 (cited by Laboratory for Molecular Medicine, Mass General Brigham Personalized Medicine); PubMed 19835634 (cited by Laboratory for Molecular Medicine, Mass General Brigham Personalized Medicine); PubMed 30232282 (cited by Laboratory for Molecular Medicine, Mass General Brigham Personalized Medicine); PubMed 34008892 (cited by Laboratory of Medical Genetics, National & Kapodistrian University of Athens); PubMed 31268217 (cited by AiLife Diagnostics); PubMed 19705481 (cited by AiLife Diagnostics); PubMed 28112097 (cited by AiLife Diagnostics); PubMed 30564623 (cited by AiLife Diagnostics); PubMed 22981120 (cited by OMIM).